The following is an entry in ClinVar:

ClinVar aggregate classification (germline): Uncertain significance (1 of 4 stars; one submission).

Submission:

Labcorp Genetics (formerly Invitae), Labcorp
Classification: Uncertain significance. Last evaluated: 2024-08-21. Review status: criteria provided, single submitter. Criteria: Invitae Variant Classification Sherloc (09022015). Collection method: clinical testing. Allele origin: germline.
Comment: This sequence change replaces serine, which is neutral and polar, with asparagine, which is neutral and polar, at codon 415 of the ARHGAP24 protein (p.Ser415Asn). This variant is not present in population databases (gnomAD no frequency). This variant has not been reported in the literature in individuals affected with ARHGAP24-related conditions. An algorithm developed to predict the effect of missense changes on protein structure and function (PolyPhen-2) suggests that this variant is likely to be disruptive. In summary, the available evidence is currently insufficient to determine the role of this variant in disease. Therefore, it has been classified as a Variant of Uncertain Significance.

NM_001025616.3(ARHGAP24):c.1244G>A (p.Ser415Asn)

Gene: ARHGAP24 (Rho GTPase activating protein 24; plus strand). Cytogenetic location: 4q21.23.
Variant type: single nucleotide variant.
Coding change: c.1244G>A on transcript NM_001025616.3 (MANE Select); coding-DNA position 1244, G replaced by A.
Protein change: p.Ser415Asn; replaces serine 415 with asparagine.
Molecular consequence: missense variant.
Genome position (GRCh38, 1-based): chr4:85,994,898, G>A. VCF-style: chr4-85994898-G-A. GRCh37 (hg19) VCF-style: chr4-86916051-G-A.
Other names: c.959G>A, p.Ser320Asn (NM_001042669.2); c.989G>A, p.Ser330Asn (NM_001287805.2); c.665G>A, p.Ser222Asn (NM_001346093.2); c.965G>A, p.Ser322Asn (NM_031305.3); short protein forms S415N, S222N, S330N, S320N, S322N.
Identifiers: ClinVar variation 3686982 (VCV003686982.2).
Genomic context (GRCh38, chr4:85,994,898, plus strand): 5'-TATCAGGCAGCAAAACCAACAGCCCAAAGAACAGTGTTCACAAGCTAGATGTGTCTAGAA[G>A]CCCCCCTCTCATGGTCAAAAAGAACCCAGCCTTTAATAAGGGTAGTGGGATAGTTACCAA-3'
Protein context (NP_001020787.2, residues 405-425): NSVHKLDVSR[Ser415Asn]PPLMVKKNPA